The following is an entry in ClinVar:

NM_001276345.2(TNNT2):c.721G>C (p.Glu241Gln)

Gene: TNNT2 (troponin T2, cardiac type; minus strand). Cytogenetic location: 1q32.1.
Variant type: single nucleotide variant.
Coding change: c.721G>C on transcript NM_001276345.2 (MANE Select); coding-DNA position 721, G replaced by C.
Protein change: p.Glu241Gln; replaces glutamic acid 241 with glutamine.
Molecular consequence: missense variant.
Genome position (GRCh38, 1-based): chr1:201,361,368, C>G on the plus strand (G>C on the coding strand, the complement: TNNT2 is on the minus strand). VCF-style: chr1-201361368-C-G. GRCh37 (hg19) VCF-style: chr1-201330496-C-G.
Other names: c.691G>C (NM_001001430.1); c.712G>C, p.Glu238Gln (NM_000364.4); c.691G>C, p.Glu231Gln (NM_001001430.3, NM_001276347.2); c.682G>C, p.Glu228Gln (NM_001001431.3); c.673G>C, p.Glu225Gln (NM_001001432.3); c.592G>C, p.Glu198Gln (NM_001276346.2); short protein forms E231Q, E238Q, E241Q, E198Q, E225Q, E228Q.
Identifiers: ClinVar variation 469528 (VCV000469528.10), dbSNP rs1189945246, ClinGen allele CA344202855.

ClinVar aggregate classification (germline): Conflicting classifications of pathogenicity. Review status: criteria provided, conflicting classifications (1 of 4 stars). 6 submissions from 4 submitters: Likely pathogenic (1); Uncertain significance (5). Last evaluated 2025-10-15.

Conditions:
Hypertrophic cardiomyopathy 2. Also called: TNNT2-Related Familial Hypertrophic Cardiomyopathy. Identifiers: MedGen C1861864, MONDO:0007266, OMIM 115195.
Cardiomyopathy, familial restrictive, 3. Identifiers: Orphanet 75249, MedGen C2676271, MONDO:0012900, OMIM 612422.
Dilated cardiomyopathy 1D. Identifiers: Orphanet 154, Orphanet 54260, MedGen C1832243, MONDO:0011095, OMIM 601494.
Cardiovascular phenotype. Identifiers: MedGen CN230736.

Allele frequency attached by ClinVar (database versions not stated): gnomAD exomes 0.00001; gnomAD 0.00003; TOPMed 0.00003.

Submissions (6):

Labcorp Genetics (formerly Invitae), Labcorp
Classification: Uncertain significance for Cardiomyopathy, familial restrictive, 3; Hypertrophic cardiomyopathy 2; Dilated cardiomyopathy 1D. Last evaluated: 2025-10-15. Review status: criteria provided, single submitter. Criteria: Invitae Variant Classification Sherloc (09022015). Collection method: clinical testing. Allele origin: germline.
Comment: This sequence change replaces glutamic acid, which is acidic and polar, with glutamine, which is neutral and polar, at codon 231 of the TNNT2 protein (p.Glu231Gln). This variant is present in population databases (no rsID available, gnomAD 0.02%). This missense change has been observed in individual(s) with idiopathic ventricular fibrillation (PMID: 30143482). ClinVar contains an entry for this variant (Variation ID: 469528). An algorithm developed to predict the effect of missense changes on protein structure and function (PolyPhen-2) suggests that this variant is likely to be disruptive. In summary, the available evidence is currently insufficient to determine the role of this variant in disease. Therefore, it has been classified as a Variant of Uncertain Significance.

Genomic Medicine Center of Excellence, King Faisal Specialist Hospital and Research Centre
Classification: Likely pathogenic for Dilated cardiomyopathy 1D. Last evaluated: 2024-04-04. Review status: criteria provided, single submitter. Criteria: ACMG Guidelines, 2015. Collection method: clinical testing. Allele origin: germline.

Ambry Genetics
Classification: Uncertain significance for Cardiovascular phenotype. Last evaluated: 2023-08-30. Review status: criteria provided, single submitter. Criteria: Ambry Variant Classification Scheme 2023. Collection method: clinical testing. Allele origin: germline.
Comment: The p.E231Q variant (also known as c.691G>C), located in coding exon 13 of the TNNT2 gene, results from a G to C substitution at nucleotide position 691. The glutamic acid at codon 231 is replaced by glutamine, an amino acid with highly similar properties. This alteration has been reported in a subject with idiopathic ventricular fibrillation (Chang YS et al. Ann Clin Lab Sci, 2018 Jul;48:427-434). This amino acid position is well conserved in available vertebrate species. In addition, the in silico prediction for this alteration is inconclusive. Since supporting evidence is limited at this time, the clinical significance of this alteration remains unclear.

Genome-Nilou Lab
Classification: Uncertain significance for Dilated cardiomyopathy 1D. Last evaluated: 2023-04-11. Review status: criteria provided, single submitter. Criteria: ACMG Guidelines, 2015. Collection method: clinical testing. Allele origin: germline. Affected: no.

Genome-Nilou Lab
Classification: Uncertain significance for Cardiomyopathy, familial restrictive, 3. Last evaluated: 2023-04-11. Review status: criteria provided, single submitter. Criteria: ACMG Guidelines, 2015. Collection method: clinical testing. Allele origin: germline. Affected: no.

Genome-Nilou Lab
Classification: Uncertain significance for Hypertrophic cardiomyopathy 2. Last evaluated: 2023-04-11. Review status: criteria provided, single submitter. Criteria: ACMG Guidelines, 2015. Collection method: clinical testing. Allele origin: germline. Affected: no.

Literature cited by the submitters: PubMed 30143482 (cited by Labcorp Genetics (formerly Invitae), Labcorp and Ambry Genetics).